The following is an entry in ClinVar:

NC_000023.10:g.(?_32486595)_(32509655_?)dup

Gene: DMD (dystrophin; minus strand). Cytogenetic location: Xp21.1.
Variant type: Duplication.
Identifiers: ClinVar variation 2424960 (VCV002424960.5).

ClinVar aggregate classification (germline): Likely pathogenic (1 of 4 stars; one submission).

Conditions:
Duchenne muscular dystrophy (DMD). Also called: Duchenne Muscular Dystrophy (DMD); MUSCULAR DYSTROPHY, PSEUDOHYPERTROPHIC PROGRESSIVE, DUCHENNE TYPE. Identifiers: Orphanet 98896, MedGen C0013264, MONDO:0010679, OMIM 310200.

Submission:

Labcorp Genetics (formerly Invitae), Labcorp
Classification: Likely pathogenic for Duchenne muscular dystrophy. Last evaluated: 2023-02-27. Review status: criteria provided, single submitter. Criteria: Invitae Variant Classification Sherloc (09022015). Collection method: clinical testing. Allele origin: germline.
Comment: In summary, the currently available evidence indicates that the variant is pathogenic, but additional data are needed to prove that conclusively. Therefore, this variant has been classified as Likely Pathogenic. This variant results in a copy number gain of the genomic region encompassing exon(s) 20-23 of the DMD gene. While the exact position of this variant cannot be determined from the data, sub-genic copy number gains are generally in tandem (PMID: 25640679). This variant is predicted to be out-of-frame, and may result in an absent or disrupted protein product. Loss-of-function variants in DMD are known to be pathogenic (PMID: 16770791, 25007885). This variant has not been reported in the literature in individuals affected with DMD-related conditions.

Literature cited by the submitters: PubMed 25640679; PubMed 16770791; PubMed 25007885.